The following is an entry in ClinVar:

ClinVar aggregate classification (germline): Uncertain significance (1 of 4 stars; one submission).

Conditions:
Congenital hyperammonemia, type I. Also called: Carbamoyl phosphate synthetase I deficiency disease; CPS I DEFICIENCY; Carbamoyl-phosphate synthase I deficiency; Carbamoyl phosphate synthetase 1 deficiency; Hyperammonemia due to carbamoyl phosphate synthetase 1 deficiency; CPS 1 deficiency. Identifiers: Orphanet 147, MedGen C4082171, MONDO:0009376, OMIM 237300.

Submission:

Labcorp Genetics (formerly Invitae), Labcorp
Classification: Uncertain significance for Congenital hyperammonemia, type I. Last evaluated: 2023-03-13. Review status: criteria provided, single submitter. Criteria: Invitae Variant Classification Sherloc (09022015). Collection method: clinical testing. Allele origin: germline.
Comment: In summary, the available evidence is currently insufficient to determine the role of this variant in disease. Therefore, it has been classified as a Variant of Uncertain Significance. Advanced modeling of protein sequence and biophysical properties (such as structural, functional, and spatial information, amino acid conservation, physicochemical variation, residue mobility, and thermodynamic stability) has been performed at Invitae for this missense variant, however the output from this modeling did not meet the statistical confidence thresholds required to predict the impact of this variant on CPS1 protein function. This variant has not been reported in the literature in individuals affected with CPS1-related conditions. This variant is not present in population databases (gnomAD no frequency). This sequence change replaces glycine, which is neutral and non-polar, with valine, which is neutral and non-polar, at codon 305 of the CPS1 protein (p.Gly305Val).

NM_001875.5(CPS1):c.914G>T (p.Gly305Val)

Gene: CPS1 (carbamoyl-phosphate synthase 1; plus strand). Cytogenetic location: 2q34.
Variant type: single nucleotide variant.
Coding change: c.914G>T on transcript NM_001875.5 (MANE Select); coding-DNA position 914, G replaced by T.
Protein change: p.Gly305Val; replaces glycine 305 with valine.
Molecular consequence: missense variant. On other transcripts: non-coding transcript variant (1).
Genome position (GRCh38, 1-based): chr2:210,590,873, G>T. VCF-style: chr2-210590873-G-T. GRCh37 (hg19) VCF-style: chr2-211455597-G-T.
Other names: c.914G>T, p.Gly305Val (NM_001122633.3, NM_001369257.1); c.947G>T, p.Gly316Val (NM_001369256.1); short protein forms G316V, G305V.
Identifiers: ClinVar variation 2818867 (VCV002818867.3), dbSNP rs2469120878, ClinGen allele CA350430296.
Genomic context (GRCh38, chr2:210,590,873, plus strand): 5'-ATCGCAAGGAGCCATTGTTTGGAATCAGTACAGGAAACTTAATAACAGGATTGGCTGCTG[G>T]TGCCAAAACCTACAAGATGTCCATGGCCAACAGGTGAGGTATTTTCACTTTTGCTTACAG-3'
Protein context (NP_001866.2, residues 295-315): TGNLITGLAA[Gly305Val]AKTYKMSMAN